The following is an entry in ClinVar:

ClinVar aggregate classification (germline): Conflicting classifications of pathogenicity. Review status: criteria provided, conflicting classifications (1 of 4 stars). 2 submissions from 2 submitters: Uncertain significance (1); Likely benign (1). Last evaluated 2026-01-11.

Allele frequency attached by ClinVar (database versions not stated): gnomAD exomes 0.00002 and 0.00004; ExAC 0.00005; gnomAD 0.00006 and 0.00007; TOPMed 0.00006; ESP Exome Variant Server 0.00008; 1000 Genomes Project 30x 0.00016; 1000 Genomes Project 0.00020.
gnomAD v4.1: 37 of 1,610,772 alleles (0.0023%); highest among the groups gnomAD compares: African/African-American, 0.017%; no homozygotes.

Submissions (2):

Labcorp Genetics (formerly Invitae), Labcorp
Classification: Uncertain significance. Last evaluated: 2026-01-11. Review status: criteria provided, single submitter. Criteria: Invitae Variant Classification Sherloc (09022015). Collection method: clinical testing. Allele origin: germline.
Comment: This sequence change replaces valine, which is neutral and non-polar, with methionine, which is neutral and non-polar, at codon 446 of the CDH2 protein (p.Val446Met). This variant is present in population databases (rs377069261, gnomAD 0.04%). This variant has not been reported in the literature in individuals affected with CDH2-related conditions. ClinVar contains an entry for this variant (Variation ID: 1371746). An algorithm developed to predict the effect of missense changes on protein structure and function (PolyPhen-2) suggests that this variant is likely to be disruptive. In summary, the available evidence is currently insufficient to determine the role of this variant in disease. Therefore, it has been classified as a Variant of Uncertain Significance.

Blueprint Genetics
Classification: Likely benign. Last evaluated: 2024-08-28. Review status: criteria provided, single submitter. Criteria: ACMG Guidelines, 2015. Collection method: clinical testing. Allele origin: germline.

NM_001792.5(CDH2):c.1336G>A (p.Val446Met)

Gene: CDH2 (cadherin 2; minus strand). Cytogenetic location: 18q12.1.
Variant type: single nucleotide variant.
Coding change: c.1336G>A on transcript NM_001792.5 (MANE Select); coding-DNA position 1336, G replaced by A.
Protein change: p.Val446Met; replaces valine 446 with methionine.
Molecular consequence: missense variant.
Genome position (GRCh38, 1-based): chr18:27,992,663, C>T on the plus strand (G>A on the coding strand, the complement: CDH2 is on the minus strand). VCF-style: chr18-27992663-C-T. GRCh37 (hg19) VCF-style: chr18-25572627-C-T.
Other names: c.1243G>A, p.Val415Met (NM_001308176.2); short protein forms V446M, V415M.
Identifiers: ClinVar variation 1371746 (VCV001371746.8), dbSNP rs377069261, ClinGen allele CA8923449.